The following is an entry in ClinVar:

NM_004006.3(DMD):c.6290+3076A>G

Gene: DMD (dystrophin; minus strand). Cytogenetic location: Xp21.1.
Variant type: single nucleotide variant.
Coding change: c.6290+3076A>G on transcript NM_004006.3 (MANE Select); 3076 bases into the intron after coding-DNA position 6290, A replaced by G.
Molecular consequence: intron variant.
Genome position (GRCh38, 1-based): chrX:32,284,453, T>C on the plus strand (A>G on the coding strand, the complement: DMD is on the minus strand). VCF-style: chrX-32284453-T-C. GRCh37 (hg19) VCF-style: chrX-32302570-T-C.
Other names: c.6266+3076A>G (NM_000109.4); c.2267+3076A>G (NM_004011.4); c.2258+3076A>G (NM_004012.4); c.6278+3076A>G (NM_004009.3); c.5921+3076A>G (NM_004010.3).
Identifiers: ClinVar variation 3377324 (VCV003377324.2).
Genomic context (GRCh38, chrX:32,284,453, plus strand): 5'-GTGAAGCTCTTCAAAGCAGGGACTGAGTCTAATTCTTCTCTCTGTAGTTCTCAGGGAAAT[T>C]TGAAAGCATGTAAGAATGAATTAACAGATATCATGACTATCAGAACCATAAGATCACCAT-3'

ClinVar aggregate classification (germline): Pathogenic. Review status: criteria provided, multiple submitters, no conflicts (2 of 4 stars). 2 submissions from 2 submitters: Pathogenic (2). Last evaluated 2026-01-26.

Conditions:
Duchenne muscular dystrophy (DMD). Also called: Duchenne Muscular Dystrophy (DMD); MUSCULAR DYSTROPHY, PSEUDOHYPERTROPHIC PROGRESSIVE, DUCHENNE TYPE. Identifiers: Orphanet 98896, MedGen C0013264, MONDO:0010679, OMIM 310200.
Becker muscular dystrophy (BMD). Also called: MUSCULAR DYSTROPHY, PSEUDOHYPERTROPHIC PROGRESSIVE, BECKER TYPE; Becker Muscular Dystrophy (BMD). Identifiers: Orphanet 98895, MedGen C0917713, MONDO:0010311, OMIM 300376.

Submissions (2):

Medical and Scientific Branch, Hong Kong Genome Institute
Classification: Pathogenic for Duchenne muscular dystrophy. Last evaluated: 2026-01-26. Review status: criteria provided, single submitter. Criteria: ACMG Guidelines, 2015. Collection method: clinical testing. Allele origin: maternal. Affected: yes.

Victorian Clinical Genetics Services, Murdoch Childrens Research Institute
Classification: Pathogenic for Becker muscular dystrophy. Last evaluated: 2024-10-10. Review status: criteria provided, single submitter. Criteria: ACMG Guidelines, 2015. Collection method: clinical testing. Allele origin: germline. Inheritance: X-linked recessive inheritance. Affected: yes.
Comment: Based on the classification scheme VCGS_Germline_v1.3.5, this variant is classified as Pathogenic. Following criteria are met: 0102 - Loss of function is a known mechanism of disease in this gene and is associated with Becker muscular dystrophy (MIM#300376), Duchenne muscular dystrophy (MIM#310200) and dilated cardiomyopathy 3B (MIM#302045). (I) 0109 - This gene is associated with X-linked recessive disease. This gene is primarily associated with X-linked recessive disease relating to the muscular dystrophy phenotypes; however, it is also associated with X-linked DCM in heterozygous females (OMIM, PMIDs: 26066469, 20301298). (I) 0217 - Non-coding variant with known effect. Variant shown to result in a cryptic splice acceptor site in intron 43 of the DMD gene, resulting in an inclusion of a pseudoexon. Data has shown this pseudoexon encodes a premature termination codon p.(Arg20989Phefs*2). However, there is no evidence of downstream splice donor site junctions, limiting our ability to resolve this as NMD-predicted or a truncated protein (PMID: 35165973; Splicing Diagnostics, Kids Neuroscience Centre, NSW, Australia). (SP) 0253 - This variant is hemizygous. (I) 0301 - Variant is absent from gnomAD (v2, v3 and v4). (SP) 0803 - This variant has limited previous evidence of pathogenicity in an unrelated individual. This variant has been reported in two brothers who both have a clinical presentation of Becker muscular dystrophy (PMIDs: 35165973, 35305867). (SP) 1208 - Inheritance information for this variant is not currently available in this individual. (I) Legend: (SP) - Supporting pathogenic, (I) - Information, (SB) - Supporting benign

Literature cited by the submitters: PubMed 20301298 (cited by Victorian Clinical Genetics Services, Murdoch Childrens Research Institute); PubMed 26066469 (cited by Victorian Clinical Genetics Services, Murdoch Childrens Research Institute); PubMed 35165973 (cited by Victorian Clinical Genetics Services, Murdoch Childrens Research Institute); PubMed 35305867 (cited by Victorian Clinical Genetics Services, Murdoch Childrens Research Institute).